The following is an entry in ClinVar:

ClinVar aggregate classification (germline): Uncertain significance (1 of 4 stars; one submission).

Submission:

GeneDx
Classification: Uncertain significance. Last evaluated: 2026-03-10. Review status: criteria provided, single submitter. Criteria: GeneDx Variant Classification Process June 2021. Collection method: clinical testing. Allele origin: germline.
Comment: Not observed at significant frequency in large population cohorts (gnomAD); In silico analysis suggests that this missense variant does not alter protein structure/function; Has not been previously published as pathogenic or benign to our knowledge

NM_014991.6(WDFY3):c.6869G>A (p.Arg2290Lys)

Gene: WDFY3 (WD repeat and FYVE domain containing 3; minus strand). Cytogenetic location: 4q21.23.
Variant type: single nucleotide variant.
Coding change: c.6869G>A on transcript NM_014991.6 (MANE Select); coding-DNA position 6869, G replaced by A.
Protein change: p.Arg2290Lys; replaces arginine 2290 with lysine.
Molecular consequence: missense variant.
Genome position (GRCh38, 1-based): chr4:84,736,216, C>T on the plus strand (G>A on the coding strand, the complement: WDFY3 is on the minus strand). VCF-style: chr4-84736216-C-T. GRCh37 (hg19) VCF-style: chr4-85657369-C-T.
Other names: short protein forms R2290K.
Identifiers: ClinVar variation 5008610 (VCV005008610.1).
Genomic context (GRCh38, chr4:84,736,216, plus strand): 5'-AACTAAAAAAGTACCTGGGTGGAAAGACTGTGTTTATTAAGACCACTTTCTTTTCGATTC[C>T]TTCTTGATCCTGTTAACTTGGAAAGACCAAAGCCACTGCTGACACGGGATAATTTGGACT-3'
Protein context (NP_055806.2, residues 2280-2300): FGLSKLTGSR[Arg2290Lys]NRKESGLNKH